The following is an entry in ClinVar:

ClinVar aggregate classification (germline): Uncertain significance. Review status: criteria provided, single submitter (1 of 4 stars). 2 submissions from 2 submitters: Uncertain significance (1). 1 of the submissions does not count toward it. Last evaluated 2019-03-08.

Conditions:
Polyglucosan body myopathy type 1 (PGBM1). Also called: Polyglucosan body myopathy 1 with or without immunodeficiency; POLYGLUCOSAN BODY MYOPATHY WITHOUT IMMUNODEFICIENCY. Identifiers: Orphanet 329173, Orphanet 397937, MedGen C4014605, MONDO:0014389, OMIM 615895.
RBCK1-related disorder. Also called: RBCK1-related condition.

Submissions (2):

Labcorp Genetics (formerly Invitae), Labcorp
Classification: Uncertain significance for Polyglucosan body myopathy 1 with or without immunodeficiency. Last evaluated: 2019-03-08. Review status: criteria provided, single submitter. Criteria: Invitae Variant Classification Sherloc (09022015). Collection method: clinical testing. Allele origin: germline.
Comment: This sequence change replaces arginine with serine at codon 248 of the RBCK1 protein (p.Arg248Ser). The arginine residue is moderately conserved and there is a moderate physicochemical difference between arginine and serine. This variant is not present in population databases (ExAC no frequency). This variant has not been reported in the literature in individuals with RBCK1-related conditions. Algorithms developed to predict the effect of missense changes on protein structure and function (SIFT, PolyPhen-2, Align-GVGD) all suggest that this variant is likely to be tolerated, but these predictions have not been confirmed by published functional studies and their clinical significance is uncertain. In summary, the available evidence is currently insufficient to determine the role of this variant in disease. Therefore, it has been classified as a Variant of Uncertain Significance.

PreventionGenetics, part of Exact Sciences
Classification: Uncertain significance for RBCK1-related condition. Last evaluated: 2023-12-06. Review status: no assertion criteria provided. Collection method: clinical testing. Allele origin: germline. Not counted in ClinVar's aggregate classification.
Comment: The RBCK1 c.393C>A variant is predicted to result in premature protein termination (p.Cys131*). Utilizing other transcripts, this variant is predicted to be a missense change or present in the post or non-coding regions. To our knowledge, this variant has not been reported in the literature. This variant is reported in 0.0065% of alleles in individuals of European (Non-Finnish) descent in gnomAD. At this time, the clinical significance of this variant is uncertain due to the absence of conclusive functional and genetic evidence.

NM_031229.4(RBCK1):c.742C>A (p.Arg248Ser)

Gene: RBCK1 (RANBP2-type and C3HC4-type zinc finger containing 1; plus strand). Cytogenetic location: 20p13.
Variant type: single nucleotide variant.
Coding change: c.742C>A on transcript NM_031229.4 (MANE Select); coding-DNA position 742, C replaced by A.
Protein change: p.Arg248Ser; replaces arginine 248 with serine.
Molecular consequence: missense variant. On other transcripts: nonsense (2), non-coding transcript variant (1).
Genome position (GRCh38, 1-based): chr20:419,717, C>A. VCF-style: chr20-419717-C-A. GRCh37 (hg19) VCF-style: chr20-400361-C-A.
Other names: c.393C>A, p.Cys131Ter (NM_001323956.2, NM_001323958.2); c.616C>A, p.Arg206Ser (NM_006462.6); c.393C>A (NM_001323956.1); short protein forms R206S, R248S, C131*.
Identifiers: ClinVar variation 854425 (VCV000854425.3), dbSNP rs993862197, ClinGen allele CA310620175.